The following is an entry in ClinVar:

NC_000002.11:g.(?_44539725)_(44548633_?)del

Genes: PREPL (prolyl endopeptidase like; minus strand), SLC3A1 (solute carrier family 3 member 1; plus strand). Cytogenetic location: 2p21.
Variant type: Deletion.
Identifiers: ClinVar variation 4526827 (VCV004526827.1).

ClinVar aggregate classification (germline): Pathogenic (1 of 4 stars; one submission).

Conditions:
Cystinuria (CSNU). Also called: CYSTINURIA, TYPE I; CYSTINURIA, TYPE II; CYSTINURIA, TYPE III; Cystinuria, non-type I. Identifiers: Orphanet 214, MedGen C0010691, MONDO:0009067, OMIM 220100, HP:0003131.

Submission:

Rare Kidney Stone Consortium and the Mayo Clinic Hyperoxaluria Center, Mayo Clinic
Classification: Pathogenic for Cystinuria. Last evaluated: 2025-10-03. Review status: criteria provided, single submitter. Criteria: ACMG Guidelines, 2015. Collection method: research. Allele origin: germline. Affected: yes. Observed: 1 variant allele.
Comment: ACMG:PVS1, PM2, PM6, PP4

Literature cited by the submitters: PubMed 40794449.